The following is an entry in ClinVar:

NM_015271.5(TRIM2):c.820G>A (p.Gly274Arg)

Gene: TRIM2 (tripartite motif containing 2; plus strand). Cytogenetic location: 4q31.3.
Variant type: single nucleotide variant.
Coding change: c.820G>A on transcript NM_015271.5 (MANE Select); coding-DNA position 820, G replaced by A.
Protein change: p.Gly274Arg; replaces glycine 274 with arginine.
Molecular consequence: missense variant.
Genome position (GRCh38, 1-based): chr4:153,295,346, G>A. VCF-style: chr4-153295346-G-A. GRCh37 (hg19) VCF-style: chr4-154216498-G-A.
Other names: c.739G>A, p.Gly247Arg (NM_001375514.1, NM_001375515.1, NM_001375516.1 and 5 more transcripts); c.487G>A, p.Gly163Arg (NM_001375519.1); c.484G>A, p.Gly162Arg (NM_001375520.1); c.481G>A, p.Gly161Arg (NM_001375522.1, NM_001375523.1, NM_001375525.1); c.793G>A, p.Gly265Arg (NM_001351054.2); c.790G>A, p.Gly264Arg (NM_001351055.2); c.364G>A, p.Gly122Arg (NM_001351057.2); c.913G>A, p.Gly305Arg (NM_001375488.1); and 3 more; short protein forms G122R, G254R, G274R, G305R, G162R, G247R, G265R, G161R.
Identifiers: ClinVar variation 3712315 (VCV003712315.2).
Genomic context (GRCh38, chr4:153,295,346, plus strand): 5'-CTCACCAGGCCTCCGGTTTTCCCGCAGGTCCTCCAGTCGCAGCTGGATACTCTGCTCCAG[G>A]GGCAGGAGAGCATTAAGAGCTGCAGCAACTTCACAGCGCAGGCCCTCAACCATGGCACGG-3'
Protein context (NP_056086.2, residues 264-284): LQSQLDTLLQ[Gly274Arg]QESIKSCSNF

ClinVar aggregate classification (germline): Uncertain significance (1 of 4 stars; one submission).

Conditions:
Charcot-Marie-Tooth disease type 2R. Also called: CHARCOT-MARIE-TOOTH NEUROPATHY, TYPE 2R; CHARCOT-MARIE-TOOTH DISEASE, AXONAL, AUTOSOMAL RECESSIVE, TYPE 2R; Charcot-Marie-Tooth disease, axonal, type 2R. Identifiers: Orphanet 397968, MedGen C3809655, MONDO:0014208, OMIM 615490.

gnomAD v4.1: 15 of 1,611,378 alleles (0.00093%); highest among the groups gnomAD compares: East Asian, 0.033%; no homozygotes.

Submission:

Labcorp Genetics (formerly Invitae), Labcorp
Classification: Uncertain significance for Charcot-Marie-Tooth disease type 2R. Last evaluated: 2024-10-16. Review status: criteria provided, single submitter. Criteria: Invitae Variant Classification Sherloc (09022015). Collection method: clinical testing. Allele origin: germline.
Comment: This sequence change replaces glycine, which is neutral and non-polar, with arginine, which is basic and polar, at codon 247 of the TRIM2 protein (p.Gly247Arg). This variant is present in population databases (rs780392881, gnomAD 0.01%). This variant has not been reported in the literature in individuals affected with TRIM2-related conditions. An algorithm developed to predict the effect of missense changes on protein structure and function (PolyPhen-2) suggests that this variant is likely to be disruptive. In summary, the available evidence is currently insufficient to determine the role of this variant in disease. Therefore, it has been classified as a Variant of Uncertain Significance.